The following is an entry in ClinVar:

NM_022356.4(P3H1):c.1600A>G (p.Ser534Gly)

Gene: P3H1 (prolyl 3-hydroxylase 1; minus strand). Cytogenetic location: 1p34.2.
Variant type: single nucleotide variant.
Coding change: c.1600A>G on transcript NM_022356.4 (MANE Select); coding-DNA position 1600, A replaced by G.
Protein change: p.Ser534Gly; replaces serine 534 with glycine.
Molecular consequence: missense variant.
Genome position (GRCh38, 1-based): chr1:42,750,306, T>C on the plus strand (A>G on the coding strand, the complement: P3H1 is on the minus strand). VCF-style: chr1-42750306-T-C. GRCh37 (hg19) VCF-style: chr1-43215977-T-C.
Other names: c.1600A>G, p.Ser534Gly (NM_001146289.2, NM_001243246.2); c.1600A>G (NM_022356.3); short protein forms S534G.
Identifiers: ClinVar variation 1435979 (VCV001435979.4), dbSNP rs764540430, ClinGen allele CA801764.

ClinVar aggregate classification (germline): Uncertain significance. Review status: criteria provided, multiple submitters, no conflicts (2 of 4 stars). 2 submissions from 2 submitters: Uncertain significance (2). Last evaluated 2025-06-18.

Conditions:
Inborn genetic diseases. Identifiers: MedGen C0950123, MeSH D030342.
Osteogenesis imperfecta type 8 (OI8). Identifiers: MedGen C1970458, MONDO:0012581, OMIM 610915.

Allele frequency attached by ClinVar (database versions not stated): ExAC 0.00001; gnomAD 0.00001; TOPMed 0.00001.
gnomAD v4.1: 17 of 1,613,972 alleles (0.0011%); highest among the groups gnomAD compares: Non-Finnish European, 0.0014%; no homozygotes.

Submissions (2):

Ambry Genetics
Classification: Uncertain significance for Inborn genetic diseases. Last evaluated: 2025-06-18. Review status: criteria provided, single submitter. Criteria: Ambry Variant Classification Scheme 2023. Collection method: clinical testing. Allele origin: germline.

Labcorp Genetics (formerly Invitae), Labcorp
Classification: Uncertain significance for Osteogenesis imperfecta type 8. Last evaluated: 2022-06-14. Review status: criteria provided, single submitter. Criteria: Invitae Variant Classification Sherloc (09022015). Collection method: clinical testing. Allele origin: germline.
Comment: This sequence change replaces serine, which is neutral and polar, with glycine, which is neutral and non-polar, at codon 534 of the P3H1 protein (p.Ser534Gly). This variant is not present in population databases (gnomAD no frequency). This variant has not been reported in the literature in individuals affected with P3H1-related conditions. Algorithms developed to predict the effect of missense changes on protein structure and function are either unavailable or do not agree on the potential impact of this missense change (SIFT: "Deleterious"; PolyPhen-2: "Benign"; Align-GVGD: "Class C0"). Algorithms developed to predict the effect of sequence changes on RNA splicing suggest that this variant may create or strengthen a splice site. In summary, the available evidence is currently insufficient to determine the role of this variant in disease. Therefore, it has been classified as a Variant of Uncertain Significance.